The following is an entry in ClinVar:

NM_006517.5(SLC16A2):c.111_122dup (p.34EP[7])

Gene: SLC16A2 (solute carrier family 16 member 2; plus strand). Cytogenetic location: Xq13.2.
Variant type: Duplication.
Coding change: c.111_122dup on transcript NM_006517.5 (MANE Select); coding-DNA positions 111 to 122, 12 bases duplicated (TGAGCCCGAGCC).
Protein change: p.34EP[7].
Molecular consequence: inframe insertion.
Genome position (GRCh38, 1-based): chrX:74,421,748-74,421,759, TGAGCCCGAGCC duplicated; duplicating any 12 consecutive bases within chrX:74,421,743-74,421,759 gives the same sequence; the c. name uses the placement nearest the transcript's 3' end. VCF-style (leftmost placement, unchanged base first): chrX-74421742-G-GGAGCCTGAGCCC. GRCh37 (hg19) VCF-style: chrX-73641577-G-GGAGCCTGAGCCC.
Identifiers: ClinVar variation 1195819 (VCV001195819.2), dbSNP rs1569281030, ClinGen allele CA643005910.

ClinVar aggregate classification (germline): Uncertain significance (1 of 4 stars; one submission).

Submission:

GeneDx
Classification: Uncertain significance. Last evaluated: 2020-12-21. Review status: criteria provided, single submitter. Criteria: GeneDx Variant Classification Process June 2021. Collection method: clinical testing. Allele origin: germline. Affected: yes.
Comment: In-frame insertion of 4 amino acids in a non-repeat region; Has not been previously published as pathogenic or benign to our knowledge